The following is an entry in ClinVar:

ClinVar aggregate classification (germline): Benign. Review status: criteria provided, multiple submitters, no conflicts (2 of 4 stars). 2 submissions from 2 submitters: Benign (2). Last evaluated 2018-01-13.

Conditions:
Giant axonal neuropathy 1 (GAN1). Also called: GAN-Related Neurodegeneration; GIANT AXONAL NEUROPATHY 1, AUTOSOMAL RECESSIVE. Identifiers: Orphanet 643, MedGen C1850386, MONDO:0009749, OMIM 256850.

Allele frequency attached by ClinVar (database versions not stated): gnomAD exomes 0.03037; gnomAD 0.04960 and 0.05139; TOPMed 0.05066; 1000 Genomes Project 0.05631; 1000 Genomes Project 30x 0.05887.
gnomAD v4.1: 7,507 of 152,750 alleles (4.9%); highest among the groups gnomAD compares: African/African-American, 12%; 325 homozygotes.

Submissions (2):

Illumina Laboratory Services, Illumina
Classification: Benign for Giant axonal neuropathy 1. Last evaluated: 2018-01-13. Review status: criteria provided, single submitter. Criteria: ICSL Variant Classification Criteria 13 December 2019. Collection method: clinical testing. Allele origin: germline.
Comment: This variant was observed in the ICSL laboratory as part of a predisposition screen in an ostensibly healthy population. It had not been previously curated by ICSL or reported in the Human Gene Mutation Database (HGMD: prior to June 1st, 2018), and was therefore a candidate for classification through an automated scoring system. Utilizing variant allele frequency, disease prevalence and penetrance estimates, and inheritance mode, an automated score was calculated to assess if this variant is too frequent to cause the disease. Based on the score and internal cut-off values, a variant classified as benign is not then subjected to further curation. The score for this variant resulted in a classification of benign for this disease.

Breakthrough Genomics
Classification: Benign. Review status: criteria provided, single submitter. Criteria: ACMG Guidelines, 2015. Collection method: not provided. Allele origin: germline. Inheritance: Autosomal recessive inheritance. Affected: yes.

NM_022041.4(GAN):c.*1068T>G

Gene: GAN (gigaxonin; plus strand). Cytogenetic location: 16q23.2.
Variant type: single nucleotide variant.
Coding change: c.*1068T>G on transcript NM_022041.4 (MANE Select); 1068 bases downstream of the stop codon, T replaced by G.
Molecular consequence: 3 prime UTR variant.
Genome position (GRCh38, 1-based): chr16:81,378,664, T>G. VCF-style: chr16-81378664-T-G. GRCh37 (hg19) VCF-style: chr16-81412269-T-G.
Other names: c.*1068T>G (NM_001377486.1).
Identifiers: ClinVar variation 320685 (VCV000320685.6), dbSNP rs57170812, ClinGen allele CA10644334.